The following is an entry in ClinVar:

ClinVar aggregate classification (germline): Uncertain significance. Review status: criteria provided, multiple submitters, no conflicts (2 of 4 stars). 5 submissions from 5 submitters: Uncertain significance (5). Last evaluated 2025-11-17.

Conditions:
Generalized epilepsy-paroxysmal dyskinesia syndrome (PNKD3). Also called: Paroxysmal nonkinesigenic dyskinesia, 3, with or without generalized epilepsy; Generalized epilepsy and paroxysmal dyskinesia. Identifiers: Orphanet 79137, MedGen C5574945, MONDO:0012276, OMIM 609446.
Cerebellar atrophy, developmental delay, and seizures. Identifiers: MedGen C4539985, MONDO:0060551, OMIM 617643.
Liang-Wang syndrome. Identifiers: Orphanet 664438, MedGen C5231479, MONDO:0032886, OMIM 618729.
Epilepsy, idiopathic generalized, susceptibility to, 16. Identifiers: MedGen C5231421, MONDO:0032827, OMIM 618596.
Inborn genetic diseases. Identifiers: MedGen C0950123, MeSH D030342.

Allele frequency attached by ClinVar (database versions not stated): ExAC 0.00003; gnomAD 0.00006; gnomAD exomes 0.00006 and 0.00008; TOPMed 0.00008.
gnomAD v4.1: 96 of 1,612,228 alleles (0.006%); highest among the groups gnomAD compares: Admixed American, 0.025%; no homozygotes.

Submissions (5):

Labcorp Genetics (formerly Invitae), Labcorp
Classification: Uncertain significance for Generalized epilepsy-paroxysmal dyskinesia syndrome. Last evaluated: 2025-11-17. Review status: criteria provided, single submitter. Criteria: Invitae Variant Classification Sherloc (09022015). Collection method: clinical testing. Allele origin: germline.
Comment: This sequence change replaces valine, which is neutral and non-polar, with alanine, which is neutral and non-polar, at codon 61 of the KCNMA1 protein (p.Val61Ala). The frequency data for this variant in the population databases is considered unreliable, as metrics indicate poor data quality at this position in the gnomAD database. This variant has not been reported in the literature in individuals affected with KCNMA1-related conditions. ClinVar contains an entry for this variant (Variation ID: 300971). An algorithm developed to predict the effect of missense changes on protein structure and function (PolyPhen-2) suggests that this variant is likely to be disruptive. In summary, the available evidence is currently insufficient to determine the role of this variant in disease. Therefore, it has been classified as a Variant of Uncertain Significance.

GeneDx
Classification: Uncertain significance. Last evaluated: 2024-12-02. Review status: criteria provided, single submitter. Criteria: GeneDx Variant Classification Process June 2021. Collection method: clinical testing. Allele origin: germline. Affected: yes.
Comment: In silico analysis indicates that this missense variant does not alter protein structure/function; Has not been previously published as pathogenic or benign to our knowledge

Fulgent Genetics
Classification: Uncertain significance for Generalized epilepsy-paroxysmal dyskinesia syndrome; Cerebellar atrophy, developmental delay, and seizures; Epilepsy, idiopathic generalized, susceptibility to, 16; Liang-Wang syndrome. Last evaluated: 2022-01-12. Review status: criteria provided, single submitter. Criteria: ACMG Guidelines, 2015. Collection method: clinical testing. Allele origin: unknown.

Ambry Genetics
Classification: Uncertain significance for Inborn genetic diseases. Last evaluated: 2021-10-26. Review status: criteria provided, single submitter. Criteria: Ambry Variant Classification Scheme 2023. Collection method: clinical testing. Allele origin: germline.

Illumina Laboratory Services, Illumina
Classification: Uncertain significance for Generalized epilepsy-paroxysmal dyskinesia syndrome. Last evaluated: 2018-01-13. Review status: criteria provided, single submitter. Criteria: ICSL Variant Classification Criteria 13 December 2019. Collection method: clinical testing. Allele origin: germline.

NM_001161352.2(KCNMA1):c.182T>C (p.Val61Ala)

Gene: KCNMA1 (potassium calcium-activated channel subfamily M alpha 1; minus strand). Cytogenetic location: 10q22.3.
Variant type: single nucleotide variant.
Coding change: c.182T>C on transcript NM_001161352.2 (MANE Select); coding-DNA position 182, T replaced by C.
Protein change: p.Val61Ala; replaces valine 61 with alanine.
Molecular consequence: missense variant.
Genome position (GRCh38, 1-based): chr10:77,637,461, A>G on the plus strand (T>C on the coding strand, the complement: KCNMA1 is on the minus strand). VCF-style: chr10-77637461-A-G. GRCh37 (hg19) VCF-style: chr10-79397219-A-G.
Other names: c.182T>C, p.Val61Ala (NM_001014797.3, NM_001161353.2, NM_001271518.2 and 12 more transcripts); short protein forms V61A.
Identifiers: ClinVar variation 300971 (VCV000300971.19), dbSNP rs200420124, ClinGen allele CA5568787.